The following is an entry in ClinVar:

NM_001384140.1(PCDH15):c.2987A>G (p.Glu996Gly)

Gene: PCDH15 (protocadherin related 15; minus strand). Cytogenetic location: 10q21.1.
Variant type: single nucleotide variant.
Coding change: c.2987A>G on transcript NM_001384140.1 (MANE Select); coding-DNA position 2987, A replaced by G.
Protein change: p.Glu996Gly; replaces glutamic acid 996 with glycine.
Molecular consequence: missense variant.
Genome position (GRCh38, 1-based): chr10:53,961,774, T>C on the plus strand (A>G on the coding strand, the complement: PCDH15 is on the minus strand). VCF-style: chr10-53961774-T-C. GRCh37 (hg19) VCF-style: chr10-55721534-T-C.
Other names: c.3002A>G, p.Glu1001Gly (NM_001142763.2, NM_001142771.2); c.2987A>G, p.Glu996Gly (NM_001142764.2, NM_001142766.2, NM_001142770.3 and 4 more transcripts); c.2774A>G, p.Glu925Gly (NM_001142765.2); c.2876A>G, p.Glu959Gly (NM_001142767.2); c.2921A>G, p.Glu974Gly (NM_001142768.2, NM_001142773.2, NM_001354404.2); c.3023A>G, p.Glu1008Gly (NM_001142769.4); c.3008A>G, p.Glu1003Gly (NM_001354411.2); short protein forms E1001G, E1003G, E1008G, E925G, E959G, E974G, E996G.
Identifiers: ClinVar variation 1050882 (VCV001050882.3), dbSNP rs1223956690, ClinGen allele CA376521514.

ClinVar aggregate classification (germline): Uncertain significance. Review status: criteria provided, single submitter (1 of 4 stars). 2 submissions from 2 submitters: Uncertain significance (1). 1 of the submissions does not count toward it. Last evaluated 2021-08-27.

Conditions:
Usher syndrome type 1F (USH1F). Also called: USHER SYNDROME, TYPE IF. Identifiers: Orphanet 231169, Orphanet 886, MedGen C1865885, MONDO:0011186, OMIM 602083.

Allele frequency attached by ClinVar (database versions not stated): gnomAD exomes below 0.00001 and 0.00001.
gnomAD v4.1: 3 of 1,608,066 alleles (0.00019%); highest among the groups gnomAD compares: South Asian, 0.0033%; no homozygotes.

Submissions (2):

Labcorp Genetics (formerly Invitae), Labcorp
Classification: Uncertain significance. Last evaluated: 2021-08-27. Review status: criteria provided, single submitter. Criteria: Invitae Variant Classification Sherloc (09022015). Collection method: clinical testing. Allele origin: germline.
Comment: This sequence change replaces glutamic acid with glycine at codon 996 of the PCDH15 protein (p.Glu996Gly). The glutamic acid residue is highly conserved and there is a moderate physicochemical difference between glutamic acid and glycine. This variant is not present in population databases (ExAC no frequency). This variant has not been reported in the literature in individuals affected with PCDH15-related conditions. Algorithms developed to predict the effect of missense changes on protein structure and function are either unavailable or do not agree on the potential impact of this missense change (SIFT: "Deleterious"; PolyPhen-2: "Probably Damaging"; Align-GVGD: "Class C0"). In summary, the available evidence is currently insufficient to determine the role of this variant in disease. Therefore, it has been classified as a Variant of Uncertain Significance.

Natera, Inc.
Classification: Uncertain significance for Usher syndrome type 1F. Last evaluated: 2021-06-28. Review status: no assertion criteria provided. Collection method: clinical testing. Allele origin: germline. Not counted in ClinVar's aggregate classification.